The following is an entry in ClinVar:

NM_015570.4(AUTS2):c.2120G>A (p.Arg707Gln)

Gene: AUTS2 (activator of transcription and developmental regulator AUTS2; plus strand). Cytogenetic location: 7q11.22.
Variant type: single nucleotide variant.
Coding change: c.2120G>A on transcript NM_015570.4 (MANE Select); coding-DNA position 2120, G replaced by A.
Protein change: p.Arg707Gln; replaces arginine 707 with glutamine.
Molecular consequence: missense variant.
Genome position (GRCh38, 1-based): chr7:70,781,730, G>A. VCF-style: chr7-70781730-G-A. GRCh37 (hg19) VCF-style: chr7-70246716-G-A.
Other names: c.2120G>A (NM_015570.3); c.2048G>A, p.Arg683Gln (NM_001127231.3); short protein forms R683Q, R707Q.
Identifiers: ClinVar variation 1194690 (VCV001194690.9), dbSNP rs757599242, ClinGen allele CA4280913.

ClinVar aggregate classification (germline): Conflicting classifications of pathogenicity. Review status: criteria provided, conflicting classifications (1 of 4 stars). 3 submissions from 3 submitters: Uncertain significance (1); Likely benign (2). Last evaluated 2026-07-02.

Conditions:
AUTS2-related disorder. Also called: AUTS2-related condition.

Allele frequency attached by ClinVar (database versions not stated): gnomAD 0.00001 and 0.00002; ExAC 0.00002; gnomAD exomes 0.00002 and 0.00003; TOPMed 0.00010.
gnomAD v4.1: 47 of 1,613,976 alleles (0.0029%); highest among the groups gnomAD compares: Admixed American, 0.0067%; no homozygotes.

Submissions (3):

PreventionGenetics, part of Exact Sciences
Classification: Uncertain significance for AUTS2-related condition. Last evaluated: 2026-07-02. Review status: criteria provided, single submitter. Criteria: ACMG Guidelines, 2015. Collection method: clinical testing. Allele origin: germline.
Comment: The AUTS2 c.2120G>A variant is predicted to result in the amino acid substitution p.Arg707Gln. To our knowledge, this variant has not been reported in the literature. This variant is reported in 0.0033% of alleles in individuals of South Asian descent in gnomAD. At this time, the clinical significance of this variant is uncertain due to the absence of conclusive functional and genetic evidence.

Labcorp Genetics (formerly Invitae), Labcorp
Classification: Likely benign. Last evaluated: 2026-01-15. Review status: criteria provided, single submitter. Criteria: Invitae Variant Classification Sherloc (09022015). Collection method: clinical testing. Allele origin: germline.

GeneDx
Classification: Likely benign. Last evaluated: 2020-12-21. Review status: criteria provided, single submitter. Criteria: GeneDx Variant Classification Process June 2021. Collection method: clinical testing. Allele origin: germline. Affected: yes.
Comment: In silico analysis supports that this missense variant has a deleterious effect on protein structure/function; Has not been previously published as pathogenic or benign to our knowledge